The following is an entry in ClinVar:

ClinVar aggregate classification (germline): Uncertain significance (1 of 4 stars; one submission).

Submission:

GeneDx
Classification: Uncertain significance. Last evaluated: 2025-07-21. Review status: criteria provided, single submitter. Criteria: GeneDx Variant Classification Process June 2021. Collection method: clinical testing. Allele origin: germline. Affected: yes.
Comment: Not observed at significant frequency in large population cohorts (gnomAD); In silico analysis supports that this missense variant has a deleterious effect on protein structure/function; Has not been previously published as pathogenic or benign to our knowledge

NM_001009999.3(KDM1A):c.2497G>A (p.Ala833Thr)

Gene: KDM1A (lysine demethylase 1A; plus strand). Cytogenetic location: 1p36.12.
Variant type: single nucleotide variant.
Coding change: c.2497G>A on transcript NM_001009999.3 (MANE Select); coding-DNA position 2497, G replaced by A.
Protein change: p.Ala833Thr; replaces alanine 833 with threonine.
Molecular consequence: missense variant. On other transcripts: 3 prime UTR variant (1).
Genome position (GRCh38, 1-based): chr1:23,083,230, G>A. VCF-style: chr1-23083230-G-A. GRCh37 (hg19) VCF-style: chr1-23409723-G-A.
Other names: c.2443G>A, p.Ala815Thr (NM_001363654.2); c.2503G>A, p.Ala835Thr (NM_001410762.1); c.*745G>A (NM_001410763.1); c.2425G>A, p.Ala809Thr (NM_015013.4); short protein forms A809T, A815T, A833T, A835T.
Identifiers: ClinVar variation 4686984 (VCV004686984.1).
Genomic context (GRCh38, chr1:23,083,230, plus strand): 5'-CTAAAATAGCCGATTCCACGACTCTTCTTTGCGGGAGAACATACGATCCGTAACTACCCA[G>A]CCACAGTGCATGGTGCTCTGCTGAGTGGGCTGCGAGAAGCGGGAAGAATTGCAGACCAGT-3'
Protein context (NP_001009999.1, residues 823-843): AGEHTIRNYP[Ala833Thr]TVHGALLSGL